The following is an entry in ClinVar:

NM_002941.4(ROBO1):c.4131C>T (p.Ala1377=)

Gene: ROBO1 (roundabout guidance receptor 1; minus strand). Cytogenetic location: 3p12.3.
Variant type: single nucleotide variant.
Coding change: c.4131C>T on transcript NM_002941.4 (MANE Select); coding-DNA position 4131, C replaced by T.
Protein change: p.Ala1377=; no amino-acid change (alanine 1377 retained).
Molecular consequence: synonymous variant.
Genome position (GRCh38, 1-based): chr3:78,617,786, G>A on the plus strand (C>T on the coding strand, the complement: ROBO1 is on the minus strand). VCF-style: chr3-78617786-G-A. GRCh37 (hg19) VCF-style: chr3-78666936-G-A.
Other names: c.3996C>T, p.Ala1332= (NM_001145844.1, NM_133631.4); c.3831C>T, p.Ala1277= (NM_001145845.2).
Identifiers: ClinVar variation 3031179 (VCV003031179.2), dbSNP rs368322759, ClinGen allele CA2498192.

ClinVar aggregate classification (germline): Likely benign (0 of 4 stars; one submission).

Conditions:
ROBO1-related disorder. Also called: ROBO1-related condition.

Allele frequency attached by ClinVar (database versions not stated): TOPMed 0.00001; ExAC 0.00002; gnomAD 0.00002; 1000 Genomes Project 0.00020; 1000 Genomes Project 30x 0.00031.
gnomAD v4.1: 12 of 1,613,932 alleles (0.00074%); highest among the groups gnomAD compares: East Asian, 0.022%; no homozygotes.

Submission:

PreventionGenetics, part of Exact Sciences
Classification: Likely benign for ROBO1-related condition. Last evaluated: 2021-02-10. Review status: no assertion criteria provided. Collection method: clinical testing. Allele origin: germline.
Comment: This variant is classified as likely benign based on ACMG/AMP sequence variant interpretation guidelines (Richards et al. 2015 PMID: 25741868, with internal and published modifications).